The following is an entry in ClinVar:

ClinVar aggregate classification (germline): Benign (1 of 4 stars; one submission).

Conditions:
Leigh syndrome (NULS). Also called: Leigh's necrotizing encephalopathy; Leigh's disease; Leigh Syndrome (mtDNA deletion); Leigh Disease; Subacute necrotizing encephalopathy; Necrotizing encephalopathy infantile subacute of Leigh. Identifiers: Orphanet 506, MedGen C2931891, MONDO:0009723, OMIM 256000.

Submission:

Wong Mito Lab, Molecular and Human Genetics, Baylor College of Medicine
Classification: Benign for Leigh syndrome. Last evaluated: 2019-10-17. Review status: criteria provided, single submitter. Criteria: Modified ACMG Guidelines (Unpublished). Collection method: clinical testing. Allele origin: germline.
Comment: The NC_012920.1:m.8381A>G (YP_003024030.1:p.Thr6Ala) variant in MTATP8 gene is interpretated to be a Benign variant based on the modified ACMG guidelines (unpublished). This variant meets the following evidence codes: BS1, BS4

Literature cited by the submitters: PubMed 11062027.

NC_012920.1(MT-ATP8):m.8381A>G

Gene: MT-ATP8 (mitochondrially encoded ATP synthase 8; plus strand).
Variant type: single nucleotide variant.
Genome position: chrM-8381-A-G.
Identifiers: ClinVar variation 692837 (VCV000692837.1), dbSNP rs1603221438, ClinGen allele CA414795857.